The following is an entry in ClinVar:

NM_000702.4(ATP1A2):c.1691G>C (p.Arg564Pro)

Gene: ATP1A2 (ATPase Na+/K+ transporting subunit alpha 2; plus strand). Cytogenetic location: 1q23.2.
Variant type: single nucleotide variant.
Coding change: c.1691G>C on transcript NM_000702.4 (MANE Select); coding-DNA position 1691, G replaced by C.
Protein change: p.Arg564Pro; replaces arginine 564 with proline.
Molecular consequence: missense variant.
Genome position (GRCh38, 1-based): chr1:160,130,461, G>C. VCF-style: chr1-160130461-G-C. GRCh37 (hg19) VCF-style: chr1-160100251-G-C.
Other names: short protein forms R564P.
Identifiers: ClinVar variation 4810553 (VCV004810553.1).

ClinVar aggregate classification (germline): Uncertain significance (1 of 4 stars; one submission).

Conditions:
Familial hemiplegic migraine. Identifiers: MedGen C0338484, MONDO:0000700.

Submission:

Labcorp Genetics (formerly Invitae), Labcorp
Classification: Uncertain significance for Familial hemiplegic migraine. Last evaluated: 2025-07-14. Review status: criteria provided, single submitter. Criteria: Invitae Variant Classification Sherloc (09022015). Collection method: clinical testing. Allele origin: germline.
Comment: This sequence change replaces arginine, which is basic and polar, with proline, which is neutral and non-polar, at codon 564 of the ATP1A2 protein (p.Arg564Pro). This variant is present in population databases (rs765936799, gnomAD 0.01%). This variant has not been reported in the literature in individuals affected with ATP1A2-related conditions. Invitae Evidence Modeling of protein sequence and biophysical properties (such as structural, functional, and spatial information, amino acid conservation, physicochemical variation, residue mobility, and thermodynamic stability) indicates that this missense variant is not expected to disrupt ATP1A2 protein function with a negative predictive value of 95%. In summary, the available evidence is currently insufficient to determine the role of this variant in disease. Therefore, it has been classified as a Variant of Uncertain Significance.